The following is an entry in ClinVar:

NM_020347.4(LZTFL1):c.304A>G (p.Ile102Val)

Gene: LZTFL1 (leucine zipper transcription factor like 1; minus strand). Cytogenetic location: 3p21.31.
Variant type: single nucleotide variant.
Coding change: c.304A>G on transcript NM_020347.4 (MANE Select); coding-DNA position 304, A replaced by G.
Protein change: p.Ile102Val; replaces isoleucine 102 with valine.
Molecular consequence: missense variant. On other transcripts: non-coding transcript variant (2).
Genome position (GRCh38, 1-based): chr3:45,835,609, T>C on the plus strand (A>G on the coding strand, the complement: LZTFL1 is on the minus strand). VCF-style: chr3-45835609-T-C. GRCh37 (hg19) VCF-style: chr3-45877101-T-C.
Other names: c.253A>G, p.Ile85Val (NM_001276378.2, NM_001386451.1, NM_001405922.1 and 4 more transcripts); c.292A>G, p.Ile98Val (NM_001276379.2, NM_001405921.1); c.304A>G, p.Ile102Val (NM_001386452.1, NM_001405924.1); c.328A>G, p.Ile110Val (NM_001405920.1, NM_001405925.1); short protein forms I102V, I110V, I85V, I98V.
Identifiers: ClinVar variation 3350186 (VCV003350186.1).

ClinVar aggregate classification (germline): Uncertain significance (0 of 4 stars; one submission).

Conditions:
LZTFL1-related disorder. Also called: LZTFL1-related condition.

gnomAD v4.1: 1 of 1,614,072 alleles (0.000062%); highest among the groups gnomAD compares: Non-Finnish European, 0.000085%; no homozygotes.

Submission:

PreventionGenetics, part of Exact Sciences
Classification: Uncertain significance for LZTFL1-related condition. Last evaluated: 2024-03-22. Review status: no assertion criteria provided. Collection method: clinical testing. Allele origin: germline.
Comment: The LZTFL1 c.304A>G variant is predicted to result in the amino acid substitution p.Ile102Val. To our knowledge, this variant has not been reported in the literature or in a large population database, indicating this variant is rare. At this time, the clinical significance of this variant is uncertain due to the absence of conclusive functional and genetic evidence.